The following is an entry in ClinVar:

ClinVar aggregate classification (germline): Uncertain significance (1 of 4 stars; one submission).

Conditions:
DMD-related disorder. Also called: DMD-related condition.

Submission:

PreventionGenetics, part of Exact Sciences
Classification: Uncertain significance for DMD-related condition. Last evaluated: 2026-09-03. Review status: criteria provided, single submitter. Criteria: ACMG Guidelines, 2015. Collection method: clinical testing. Allele origin: germline.
Comment: The DMD c.7195G>A variant is predicted to result in the amino acid substitution p.Val2399Met. To our knowledge, this variant has not been reported in the literature or in a large population database (gnomAD), indicating this variant is rare. At this time, the clinical significance of this variant is uncertain due to the absence of conclusive functional and genetic evidence.

NM_004006.3(DMD):c.7195G>A (p.Val2399Met)

Gene: DMD (dystrophin; minus strand). Cytogenetic location: Xp21.1.
Variant type: single nucleotide variant.
Coding change: c.7195G>A on transcript NM_004006.3 (MANE Select); coding-DNA position 7195, G replaced by A.
Protein change: p.Val2399Met; replaces valine 2399 with methionine.
Molecular consequence: missense variant. On other transcripts: 5 prime UTR variant (5).
Genome position (GRCh38, 1-based): chrX:31,836,723, C>T on the plus strand (G>A on the coding strand, the complement: DMD is on the minus strand). VCF-style: chrX-31836723-C-T. GRCh37 (hg19) VCF-style: chrX-31854840-C-T.
Other names: c.7171G>A, p.Val2391Met (NM_000109.4); c.7183G>A, p.Val2395Met (NM_004009.3); c.6826G>A, p.Val2276Met (NM_004010.3); c.3172G>A, p.Val1058Met (NM_004011.4); c.3163G>A, p.Val1055Met (NM_004012.4); c.-186G>A (NM_004013.3, NM_004020.4, NM_004021.3 and 2 more transcripts); short protein forms V1055M, V2276M, V1058M, V2391M, V2395M, V2399M.
Identifiers: ClinVar variation 4993947 (VCV004993947.1).
Genomic context (GRCh38, chrX:31,836,723, plus strand): 5'-GGGGAAGCATAACCCATTATGAGGTAATGGATATTGCTAGAGGTTGCTTCATTACCTTCA[C>T]TGGCTGAGTGGCTGGTTTTTCCTTGTACAAATGCTGCCCTTTAGACAAAATCTCTTCCAC-3'
Protein context (NP_003997.2, residues 2389-2409): LYKEKPATQP[Val2399Met]KRKLEDLSSE